The following is an entry in ClinVar:

ClinVar aggregate classification (germline): Benign (1 of 4 stars; one submission).

Conditions:
Cutis laxa with osteodystrophy (ARCL2A). Also called: CUTIS LAXA WITH CONGENITAL DISORDER OF GLYCOSYLATION; Autosomal recessive cutis laxa type 2A; CUTIS LAXA, AUTOSOMAL RECESSIVE, TYPE IIA; Debré-Type Cutis Laxa; CUTIS LAXA WITH BONE DYSTROPHY; CUTIS LAXA WITH GROWTH AND DEVELOPMENTAL DELAY. Identifiers: Orphanet 357058, MedGen C0268355, MONDO:0018163, OMIM 219200. Disease mechanism: loss of function.

Allele frequency attached by ClinVar (database versions not stated): 1000 Genomes Project 0.00958; gnomAD 0.01013 and 0.01086; TOPMed 0.01174; 1000 Genomes Project 30x 0.00906.

Submission:

Illumina Laboratory Services, Illumina
Classification: Benign for Cutis laxa with osteodystrophy. Last evaluated: 2018-01-13. Review status: criteria provided, single submitter. Criteria: ICSL Variant Classification Criteria 13 December 2019. Collection method: clinical testing. Allele origin: germline.
Comment: This variant was observed in the ICSL laboratory as part of a predisposition screen in an ostensibly healthy population. It had not been previously curated by ICSL or reported in the Human Gene Mutation Database (HGMD: prior to June 1st, 2018), and was therefore a candidate for classification through an automated scoring system. Utilizing variant allele frequency, disease prevalence and penetrance estimates, and inheritance mode, an automated score was calculated to assess if this variant is too frequent to cause the disease. Based on the score and internal cut-off values, a variant classified as benign is not then subjected to further curation. The score for this variant resulted in a classification of benign for this disease.

NM_012463.4(ATP6V0A2):c.*3654A>G

Gene: ATP6V0A2 (ATPase H+ transporting V0 subunit a2; plus strand). Cytogenetic location: 12q24.31.
Variant type: single nucleotide variant.
Coding change: c.*3654A>G on transcript NM_012463.4 (MANE Select); 3654 bases downstream of the stop codon, A replaced by G.
Molecular consequence: 3 prime UTR variant.
Genome position (GRCh38, 1-based): chr12:123,761,686, A>G. VCF-style: chr12-123761686-A-G. GRCh37 (hg19) VCF-style: chr12-124246233-A-G.
Identifiers: ClinVar variation 884116 (VCV000884116.4), dbSNP rs77670478, ClinGen allele CA245168015.
Genomic context (GRCh38, chr12:123,761,686, plus strand): 5'-TTGTGAGGGGAAATGACAGTGAACAAGTTAGTACTTTGCTCCACAAATGCATGAAAGGAC[A>G]AATTTGCATCTTCTATCAGTATTTAACTTCCTTTTGCTAATGACAAATAAATATATCTAT-3'